The following is an entry in ClinVar:

NM_002489.4(COXFA4):c.6C>A (p.Leu2=)

Gene: COXFA4 (cytochrome c oxidase associated subunit FA4; minus strand). Cytogenetic location: 7p21.3.
Variant type: single nucleotide variant.
Coding change: c.6C>A on transcript NM_002489.4 (MANE Select); coding-DNA position 6, C replaced by A.
Protein change: p.Leu2=; no amino-acid change (leucine 2 retained).
Molecular consequence: synonymous variant.
Genome position (GRCh38, 1-based): chr7:10,940,052, G>T on the plus strand (C>A on the coding strand, the complement: COXFA4 is on the minus strand). VCF-style: chr7-10940052-G-T. GRCh37 (hg19) VCF-style: chr7-10979679-G-T.
Identifiers: ClinVar variation 2657322 (VCV002657322.24), dbSNP rs1297519045, ClinGen allele CA453753245.

ClinVar aggregate classification (germline): Likely benign (1 of 4 stars; one submission).

Submission:

CeGaT Center for Human Genetics Tuebingen
Classification: Likely benign. Last evaluated: 2022-11-01. Review status: criteria provided, single submitter. Criteria: CeGaT Center For Human Genetics Tuebingen Variant Classification Criteria Version 2. Collection method: clinical testing. Allele origin: germline. Affected: yes. Observed: 1 variant allele.
Comment: COXFA4: PM2:Supporting, BP4, BP7